The following is an entry in ClinVar:

ClinVar aggregate classification (germline): Uncertain significance (1 of 4 stars; one submission).

Submission:

Labcorp Genetics (formerly Invitae), Labcorp
Classification: Uncertain significance. Last evaluated: 2023-06-27. Review status: criteria provided, single submitter. Criteria: Invitae Variant Classification Sherloc (09022015). Collection method: clinical testing. Allele origin: germline.
Comment: Algorithms developed to predict the effect of missense changes on protein structure and function output the following: SIFT: "Not Available"; PolyPhen-2: "Benign"; Align-GVGD: "Not Available". The asparagine amino acid residue is found in multiple mammalian species, which suggests that this missense change does not adversely affect protein function. In summary, the available evidence is currently insufficient to determine the role of this variant in disease. Therefore, it has been classified as a Variant of Uncertain Significance. This variant has not been reported in the literature in individuals affected with IL12RB2-related conditions. This variant is not present in population databases (gnomAD no frequency). This sequence change replaces threonine, which is neutral and polar, with asparagine, which is neutral and polar, at codon 381 of the IL12RB2 protein (p.Thr381Asn).

NM_001374259.2(IL12RB2):c.1142C>A (p.Thr381Asn)

Gene: IL12RB2 (interleukin 12 receptor subunit beta 2; plus strand). Cytogenetic location: 1p31.3.
Variant type: single nucleotide variant.
Coding change: c.1142C>A on transcript NM_001374259.2 (MANE Select); coding-DNA position 1142, C replaced by A.
Protein change: p.Thr381Asn; replaces threonine 381 with asparagine.
Molecular consequence: missense variant. On other transcripts: non-coding transcript variant (2).
Genome position (GRCh38, 1-based): chr1:67,350,973, C>A. VCF-style: chr1-67350973-C-A. GRCh37 (hg19) VCF-style: chr1-67816656-C-A.
Other names: c.1142C>A, p.Thr381Asn (NM_001258214.1, NM_001258215.1, NM_001258216.1 and 2 more transcripts); short protein forms T381N.
Identifiers: ClinVar variation 2876791 (VCV002876791.3), dbSNP rs982689199, ClinGen allele CA340736710.